The following is an entry in ClinVar:

ClinVar aggregate classification (germline): Likely pathogenic (0 of 4 stars; one submission).

Conditions:
Imerslund-Grasbeck syndrome. Also called: PERNICIOUS ANEMIA, JUVENILE, DUE TO SELECTIVE INTESTINAL MALABSORPTION OF VITAMIN B12, WITH PROTEINURIA; Megaloblastic anemia due to inborn errors of metabolism; Imerslund-Gräsbeck syndrome; ENTEROCYTE COBALAMIN MALABSORPTION; ENTEROCYTE INTRINSIC FACTOR RECEPTOR, DEFECT OF. Identifiers: Orphanet 35858, MedGen C4551825, MONDO:0009853.

Submission:

Juha Muilu Group; Institute for Molecular Medicine Finland (FIMM)
Classification: Likely pathogenic for Megaloblastic anemia due to inborn errors of metabolism. Review status: no assertion criteria provided. Collection method: not provided. Allele origin: unknown.
Comment: FinDis database variant: This variant was not found or characterized by our laboratory, data were collected from public sources: see reference
ClinVar note: Converted during submission from probable-pathogenic to Likely pathogenic.

NM_030943.4(AMN):c.974_977dup (p.Ala327fs)

Genes: AMN (amnion associated transmembrane protein; plus strand), LOC130056554 (ATAC-STARR-seq lymphoblastoid silent region 6136; plus strand). Cytogenetic location: 14q32.32.
Variant type: Duplication.
Coding change: c.974_977dup on transcript NM_030943.4 (MANE Select); coding-DNA positions 974 to 977, 4 bases duplicated (CCCG; older notation c.974_977dupCCCG).
Protein change: p.Ala327fs; shifts the reading frame from alanine 327.
Molecular consequence: frameshift variant.
Genome position (GRCh38, 1-based): chr14:102,930,054-102,930,057, CCCG duplicated; duplicating any 4 consecutive bases within chr14:102,930,053-102,930,057 gives the same sequence; the c. name uses the placement nearest the transcript's 3' end. VCF-style (leftmost placement, unchanged base first): chr14-102930052-G-GGCCC. GRCh37 (hg19) VCF-style: chr14-103396389-G-GGCCC.
Other names: c.974_977dupCCCG (NM_030943.3); short protein forms A327fs.
Identifiers: ClinVar variation 56761 (VCV000056761.2), dbSNP rs386834179, ClinGen allele CA144429.